The following is an entry in ClinVar:

NM_000543.5(SMPD1):c.1264-1G>A

Gene: SMPD1 (sphingomyelin phosphodiesterase 1; plus strand). Cytogenetic location: 11p15.4.
Variant type: single nucleotide variant.
Coding change: c.1264-1G>A on transcript NM_000543.5 (MANE Select); the canonical splice acceptor site of the intron before coding-DNA position 1264, G replaced by A.
Molecular consequence: splice acceptor variant.
Genome position (GRCh38, 1-based): chr11:6,393,616, G>A. VCF-style: chr11-6393616-G-A. GRCh37 (hg19) VCF-style: chr11-6414846-G-A.
Other names: c.343-1G>A (NM_001318088.2); c.1132-1G>A (NM_001365135.2); c.1264-1G>A (NM_001318087.2); c.1261-1G>A (NM_001007593.3).
Identifiers: ClinVar variation 379505 (VCV000379505.6), dbSNP rs1057516454, ClinGen allele CA16605962.

ClinVar aggregate classification (germline): Pathogenic/Likely pathogenic. Review status: criteria provided, multiple submitters, no conflicts (2 of 4 stars). 2 submissions from 2 submitters: Pathogenic (1); Likely pathogenic (1). Last evaluated 2023-04-13.

Conditions:
Niemann-Pick disease, type B. Also called: Chronic Visceral ASMD (Niemann-Pick Disease Type B; NPD-B). Identifiers: Orphanet 77293, MedGen C0268243, MONDO:0011871, OMIM 607616. Disease mechanism: loss of function.
Niemann-Pick disease, type A. Also called: SPHINGOMYELIN LIPIDOSIS; SPHINGOMYELINASE DEFICIENCY; Infantile Neurovisceral ASMD (Niemann-Pick Disease Type A; NPD-A). Identifiers: Orphanet 77292, MedGen C0268242, MONDO:0009756, OMIM 257200. Disease mechanism: loss of function.

Submissions (2):

Labcorp Genetics (formerly Invitae), Labcorp
Classification: Likely pathogenic for Niemann-Pick disease, type B; Niemann-Pick disease, type A. Last evaluated: 2023-04-13. Review status: criteria provided, single submitter. Criteria: Invitae Variant Classification Sherloc (09022015). Collection method: clinical testing. Allele origin: germline.
Comment: This variant has not been reported in the literature in individuals affected with SMPD1-related conditions. This variant is not present in population databases (gnomAD no frequency). This sequence change affects an acceptor splice site in intron 3 of the SMPD1 gene. It is expected to disrupt RNA splicing. Variants that disrupt the donor or acceptor splice site typically lead to a loss of protein function (PMID: 16199547), and loss-of-function variants in SMPD1 are known to be pathogenic (PMID: 12369017, 15221801). In summary, the currently available evidence indicates that the variant is pathogenic, but additional data are needed to prove that conclusively. Therefore, this variant has been classified as Likely Pathogenic. Algorithms developed to predict the effect of sequence changes on RNA splicing suggest that this variant may disrupt the consensus splice site. ClinVar contains an entry for this variant (Variation ID: 379505).

GeneDx
Classification: Pathogenic. Last evaluated: 2019-12-10. Review status: criteria provided, single submitter. Criteria: GeneDx Variant Classification Process June 2021. Collection method: clinical testing. Allele origin: germline. Affected: yes.
Comment: Canonical splice site variant in a gene for which loss-of-function is a known mechanism of disease; Not observed in large population cohorts (Lek et al., 2016); Has not been previously published as pathogenic or benign to our knowledge

Literature cited by the submitters: PubMed 16199547 (cited by Labcorp Genetics (formerly Invitae), Labcorp); PubMed 12369017 (cited by Labcorp Genetics (formerly Invitae), Labcorp); PubMed 15221801 (cited by Labcorp Genetics (formerly Invitae), Labcorp).